The following is an entry in ClinVar:

NM_014285.7(EXOSC2):c.803T>G (p.Ile268Ser)

Gene: EXOSC2 (exosome component 2; plus strand). Cytogenetic location: 9q34.12.
Variant type: single nucleotide variant.
Coding change: c.803T>G on transcript NM_014285.7 (MANE Select); coding-DNA position 803, T replaced by G.
Protein change: p.Ile268Ser; replaces isoleucine 268 with serine.
Molecular consequence: missense variant. On other transcripts: non-coding transcript variant (1).
Genome position (GRCh38, 1-based): chr9:130,703,695, T>G. VCF-style: chr9-130703695-T-G. GRCh37 (hg19) VCF-style: chr9-133579082-T-G.
Other names: c.725T>G, p.Ile242Ser (NM_001282708.1); c.713T>G, p.Ile238Ser (NM_001282709.1); short protein forms I268S, I242S, I238S.
Identifiers: ClinVar variation 1032616 (VCV001032616.1), dbSNP rs1831267496, ClinGen allele CA375248471.
Genomic context (GRCh38, chr9:130,703,695, plus strand): 5'-CTTGGTGGTCTGTTTATGGTTGGTTTCTTTTCTGAACAAATGCCTTTTCCCTTTTTCAGA[T>G]CAAAGACATCTTAAAGCCAGAAATAATGGAGGAGATTGTGATGGAAACACGCCAGAGGCT-3'
Protein context (NP_055100.2, residues 258-278): YCYEASLPHQ[Ile268Ser]KDILKPEIME

ClinVar aggregate classification (germline): Uncertain significance (1 of 4 stars; one submission).

Conditions:
Retinitis pigmentosa-hearing loss-premature aging-short stature-facial dysmorphism syndrome. Also called: Short stature, hearing loss, retinitis pigmentosa, and distinctive facies. Identifiers: Orphanet 494439, MedGen C4540367, MONDO:0044634, OMIM 617763.

Allele frequency attached by ClinVar (database versions not stated): gnomAD exomes below 0.00001.
gnomAD v4.1: 1 of 1,613,346 alleles (0.000062%); no homozygotes.

Submission:

Baylor Genetics
Classification: Uncertain significance for Retinitis pigmentosa-hearing loss-premature aging-short stature-facial dysmorphism syndrome. Last evaluated: 2018-04-18. Review status: criteria provided, single submitter. Criteria: ACMG Guidelines, 2015. Collection method: clinical testing. Allele origin: paternal. Affected: yes.
Comment: This variant was determined to be of uncertain significance according to ACMG Guidelines, 2015 [PMID:25741868].